The following is an entry in ClinVar:

ClinVar aggregate classification (germline): Uncertain significance (1 of 4 stars; one submission).

gnomAD v4.1: 1 of 1,603,268 alleles (0.000062%); highest among the groups gnomAD compares: Non-Finnish European, 0.000085%; no homozygotes.

Submission:

Labcorp Genetics (formerly Invitae), Labcorp
Classification: Uncertain significance. Last evaluated: 2025-09-28. Review status: criteria provided, single submitter. Criteria: Invitae Variant Classification Sherloc (09022015). Collection method: clinical testing. Allele origin: germline.
Comment: This sequence change replaces lysine, which is basic and polar, with glutamic acid, which is acidic and polar, at codon 1122 of the ALPK1 protein (p.Lys1122Glu). This variant is not present in population databases (gnomAD no frequency). This variant has not been reported in the literature in individuals affected with ALPK1-related conditions. An algorithm developed to predict the effect of missense changes on protein structure and function outputs the following: PolyPhen-2: "Benign". The glutamic acid amino acid residue is found in multiple mammalian species, which suggests that this missense change does not adversely affect protein function. In summary, the available evidence is currently insufficient to determine the role of this variant in disease. Therefore, it has been classified as a Variant of Uncertain Significance.

NM_025144.4(ALPK1):c.3364A>G (p.Lys1122Glu)

Gene: ALPK1 (alpha kinase 1; plus strand). Cytogenetic location: 4q25.
Variant type: single nucleotide variant.
Coding change: c.3364A>G on transcript NM_025144.4 (MANE Select); coding-DNA position 3364, A replaced by G.
Protein change: p.Lys1122Glu; replaces lysine 1122 with glutamic acid.
Molecular consequence: missense variant.
Genome position (GRCh38, 1-based): chr4:112,439,698, A>G. VCF-style: chr4-112439698-A-G. GRCh37 (hg19) VCF-style: chr4-113360854-A-G.
Other names: c.3364A>G, p.Lys1122Glu (NM_001102406.2); c.3130A>G, p.Lys1044Glu (NM_001253884.2); short protein forms K1044E, K1122E.
Identifiers: ClinVar variation 4770293 (VCV004770293.1).